The following is an entry in ClinVar:

ClinVar aggregate classification (germline): Uncertain significance (1 of 4 stars; one submission).

Submission:

Women's Health and Genetics/Laboratory Corporation of America, LabCorp
Classification: Uncertain significance. Last evaluated: 2026-05-15. Review status: criteria provided, single submitter. Criteria: LabCorp Variant Classification Summary - May 2015. Collection method: clinical testing. Allele origin: germline.
Comment: Variant summary: UNC13A c.5092G>C (p.Gly1698Arg) results in a non-conservative amino acid change in the encoded protein sequence. Algorithms developed to predict the effect of missense changes on protein structure and function are either unavailable or do not agree on the potential impact of this missense change. The frequency data for this variant in gnomAD is considered unreliable, as metrics indicate poor data quality at this position. To our knowledge, no occurrence of c.5092G>C in individuals affected with UNC13A-related conditions and no experimental evidence demonstrating its impact on protein function have been reported. No submitters have cited clinical-significance assessments for this variant to ClinVar. Based on the evidence outlined above, the variant was classified as uncertain significance.

NM_001080421.3(UNC13A):c.5092G>C (p.Gly1698Arg)

Gene: UNC13A (unc-13 homolog A; minus strand). Cytogenetic location: 19p13.11.
Variant type: single nucleotide variant.
Coding change: c.5092G>C on transcript NM_001080421.3 (MANE Select); coding-DNA position 5092, G replaced by C.
Protein change: p.Gly1698Arg; replaces glycine 1698 with arginine.
Molecular consequence: missense variant.
Genome position (GRCh38, 1-based): chr19:17,606,074, C>G on the plus strand (G>C on the coding strand, the complement: UNC13A is on the minus strand). VCF-style: chr19-17606074-C-G. GRCh37 (hg19) VCF-style: chr19-17716883-C-G.
Other names: c.5080G>C, p.Gly1694Arg (NM_001387021.1); c.5077G>C, p.Gly1693Arg (NM_001387022.1); c.5011G>C, p.Gly1671Arg (NM_001387023.1); short protein forms G1671R, G1693R, G1694R, G1698R.
Identifiers: ClinVar variation 4853045 (VCV004853045.1).